The following is an entry in ClinVar:

ClinVar aggregate classification (germline): Conflicting classifications of pathogenicity. Review status: criteria provided, conflicting classifications (1 of 4 stars). 4 submissions from 4 submitters: Uncertain significance (3); Likely benign (1). Last evaluated 2026-05-14.

Conditions:
Inborn genetic diseases. Identifiers: MedGen C0950123, MeSH D030342.
Microcephalic osteodysplastic primordial dwarfism type II (MOPD2). Also called: Microcephalic osteodysplastic primordial dwarfism with tooth abnormalities; MOPD II; OSTEODYSPLASTIC PRIMORDIAL DWARFISM, TYPE II. Identifiers: Orphanet 2637, MedGen C0432246, MONDO:0008872, OMIM 210720.
PCNT-related disorder. Also called: PCNT-related condition.

Allele frequency attached by ClinVar (database versions not stated): gnomAD exomes 0.00002; ExAC 0.00004; TOPMed 0.00004; gnomAD 0.00005.
gnomAD v4.1: 32 of 1,614,072 alleles (0.002%); highest among the groups gnomAD compares: Middle Eastern, 0.016%; no homozygotes.

Submissions (4):

PreventionGenetics, part of Exact Sciences
Classification: Uncertain significance for PCNT-related condition. Last evaluated: 2026-05-14. Review status: criteria provided, single submitter. Criteria: ACMG Guidelines, 2015. Collection method: clinical testing. Allele origin: germline.
Comment: The PCNT c.7298C>T variant is predicted to result in the amino acid substitution p.Ser2433Leu. To our knowledge, this variant has not been reported in the literature. This variant is reported in 0.012% of alleles in individuals of African descent in gnomAD. At this time, the clinical significance of this variant is uncertain due to the absence of conclusive functional and genetic evidence.

Labcorp Genetics (formerly Invitae), Labcorp
Classification: Uncertain significance. Last evaluated: 2024-09-08. Review status: criteria provided, single submitter. Criteria: Invitae Variant Classification Sherloc (09022015). Collection method: clinical testing. Allele origin: germline.
Comment: This sequence change replaces serine, which is neutral and polar, with leucine, which is neutral and non-polar, at codon 2433 of the PCNT protein (p.Ser2433Leu). This variant is present in population databases (rs769852846, gnomAD 0.01%). This variant has not been reported in the literature in individuals affected with PCNT-related conditions. ClinVar contains an entry for this variant (Variation ID: 1404584). An algorithm developed to predict the effect of missense changes on protein structure and function outputs the following: PolyPhen-2: "Benign". The leucine amino acid residue is found in multiple mammalian species, which suggests that this missense change does not adversely affect protein function. In summary, the available evidence is currently insufficient to determine the role of this variant in disease. Therefore, it has been classified as a Variant of Uncertain Significance.

Ambry Genetics
Classification: Likely benign for Inborn genetic diseases. Last evaluated: 2023-06-22. Review status: criteria provided, single submitter. Criteria: Ambry Variant Classification Scheme 2023. Collection method: clinical testing. Allele origin: germline.

Revvity Omics, Revvity
Classification: Uncertain significance for Microcephalic osteodysplastic primordial dwarfism type II. Last evaluated: 2022-09-16. Review status: criteria provided, single submitter. Criteria: ACMG Guidelines, 2015. Collection method: clinical testing. Allele origin: germline.

NM_006031.6(PCNT):c.7298C>T (p.Ser2433Leu)

Gene: PCNT (pericentrin; plus strand). Cytogenetic location: 21q22.3.
Variant type: single nucleotide variant.
Coding change: c.7298C>T on transcript NM_006031.6 (MANE Select); coding-DNA position 7298, C replaced by T.
Protein change: p.Ser2433Leu; replaces serine 2433 with leucine.
Molecular consequence: missense variant.
Genome position (GRCh38, 1-based): chr21:46,425,949, C>T. VCF-style: chr21-46425949-C-T. GRCh37 (hg19) VCF-style: chr21-47845863-C-T.
Other names: c.6944C>T, p.Ser2315Leu (NM_001315529.2); c.7298C>T (NM_006031.5); short protein forms S2433L, S2315L.
Identifiers: ClinVar variation 1404584 (VCV001404584.13), dbSNP rs769852846, ClinGen allele CA10080599.